The following is an entry in ClinVar:

ClinVar aggregate classification (germline): Uncertain significance. Review status: criteria provided, multiple submitters, no conflicts (2 of 4 stars). 2 submissions from 2 submitters: Uncertain significance (2). Last evaluated 2025-06-24.

Conditions:
Inborn genetic diseases. Identifiers: MedGen C0950123, MeSH D030342.
LAMA2-related muscular dystrophy (LAMA2-RD). Also called: Laminin alpha 2-related dystrophy. Identifiers: MedGen C5679788, MONDO:0100228.

Allele frequency attached by ClinVar (database versions not stated): gnomAD exomes below 0.00001 and 0.00002; ExAC 0.00001; gnomAD 0.00001 and 0.00002; TOPMed 0.00001.
gnomAD v4.1: 31 of 1,613,910 alleles (0.0019%); highest among the groups gnomAD compares: East Asian, 0.0045%; no homozygotes.

Submissions (2):

Ambry Genetics
Classification: Uncertain significance for Inborn genetic diseases. Last evaluated: 2025-06-24. Review status: criteria provided, single submitter. Criteria: Ambry Variant Classification Scheme 2023. Collection method: clinical testing. Allele origin: germline.

Labcorp Genetics (formerly Invitae), Labcorp
Classification: Uncertain significance for LAMA2-related muscular dystrophy. Last evaluated: 2024-01-15. Review status: criteria provided, single submitter. Criteria: Invitae Variant Classification Sherloc (09022015). Collection method: clinical testing. Allele origin: germline.
Comment: This sequence change replaces glutamic acid, which is acidic and polar, with lysine, which is basic and polar, at codon 1646 of the LAMA2 protein (p.Glu1646Lys). The frequency data for this variant in the population databases is considered unreliable, as metrics indicate poor data quality at this position in the gnomAD database. This variant has not been reported in the literature in individuals affected with LAMA2-related conditions. ClinVar contains an entry for this variant (Variation ID: 935887). Advanced modeling of protein sequence and biophysical properties (such as structural, functional, and spatial information, amino acid conservation, physicochemical variation, residue mobility, and thermodynamic stability) performed at Invitae indicates that this missense variant is not expected to disrupt LAMA2 protein function with a negative predictive value of 95%. In summary, the available evidence is currently insufficient to determine the role of this variant in disease. Therefore, it has been classified as a Variant of Uncertain Significance.

NM_000426.4(LAMA2):c.4936G>A (p.Glu1646Lys)

Gene: LAMA2 (laminin subunit alpha 2; plus strand). Cytogenetic location: 6q22.33.
Variant type: single nucleotide variant.
Coding change: c.4936G>A on transcript NM_000426.4 (MANE Select); coding-DNA position 4936, G replaced by A.
Protein change: p.Glu1646Lys; replaces glutamic acid 1646 with lysine.
Molecular consequence: missense variant.
Genome position (GRCh38, 1-based): chr6:129,369,967, G>A. VCF-style: chr6-129369967-G-A. GRCh37 (hg19) VCF-style: chr6-129691112-G-A.
Other names: c.4936G>A, p.Glu1646Lys (NM_001079823.2); short protein forms E1646K.
Identifiers: ClinVar variation 935887 (VCV000935887.6), dbSNP rs748541803, ClinGen allele CA3993722.